The following is an entry in ClinVar:

ClinVar aggregate classification (germline): Pathogenic. Review status: reviewed by expert panel (3 of 4 stars). 2 submissions from 2 submitters: Pathogenic (1). 1 of the submissions does not count toward it. Last evaluated 2017-12-15.

Conditions:
Breast-ovarian cancer, familial, susceptibility to, 1 (BROVCA1). Also called: OVARIAN CANCER, SUSCEPTIBILITY TO; BRCA1 Hereditary Breast and Ovarian Cancer. Identifiers: Orphanet 145, MedGen C2676676, MONDO:0011450, OMIM 604370. Disease mechanism: loss of function.
Familial cancer of breast. Also called: Hereditary breast cancer; hereditary breast carcinoma; BREAST CANCER, FAMILIAL. Identifiers: Orphanet 227535, MedGen C0346153, MONDO:0016419, OMIM 114480. Disease mechanism: loss of function.

Submissions (2):

Evidence-based Network for the Interpretation of Germline Mutant Alleles (ENIGMA)
Classification: Pathogenic for Breast-ovarian cancer, familial, susceptibility to, 1. Last evaluated: 2017-12-15. Review status: reviewed by expert panel. Criteria: ENIGMA BRCA1/2 Classification Criteria (2017-06-29). Collection method: curation. Allele origin: germline. Study: ENIGMA.
Comment: Variant allele predicted to encode a truncated non-functional protein.

ClinVar Staff, National Center for Biotechnology Information (NCBI)
No classification provided. Condition: Familial cancer of breast. Review status: no classification provided. Collection method: literature only. Allele origin: germline. Affected: yes. Not counted in ClinVar's aggregate classification.

Literature cited by the submitters: PubMed 11304778 (cited by ClinVar Staff, National Center for Biotechnology Information (NCBI)).

NM_007294.4(BRCA1):c.1175_1178del (p.Leu392fs)

Gene: BRCA1 (BRCA1 DNA repair associated; minus strand). Cytogenetic location: 17q21.31.
Variant type: Deletion.
Coding change: c.1175_1178del on transcript NM_007294.4 (MANE Select); coding-DNA positions 1175 to 1178, 4 bases deleted (TGTT; older notation c.1175_1178delTGTT).
Protein change: p.Leu392fs; shifts the reading frame from leucine 392.
Molecular consequence: frameshift variant. On other transcripts: intron variant (137).
Genome position (GRCh38, 1-based): chr17:43,094,353-43,094,356, AACA deleted on the plus strand (TGTT on the coding strand, the reverse complement: BRCA1 is on the minus strand). VCF-style (leftmost placement, unchanged base first): chr17-43094352-TAACA-T. GRCh37 (hg19) VCF-style: chr17-41246369-TAACA-T.
Other names: c.283+388_283+391del (NM_001408512.1); c.406+388_406+391del (NM_001408510.1); c.643+388_643+391del (NM_001408470.1, NM_001408464.1, NM_001408468.1 and 3 more transcripts); c.646+388_646+391del (NM_001408469.1, NM_001408453.1, NM_001408461.1 and 11 more transcripts); c.784+388_784+391del (NM_001408397.1, NM_001408401.1, NM_001408396.1 and 13 more transcripts); c.664+388_664+391del (NM_001408436.1, NM_001408444.1, NM_001408438.1 and 12 more transcripts); c.787+388_787+391del (NM_001407980.1, NM_001407993.1, NM_001407976.1 and 19 more transcripts); c.652+388_652+391del (NM_001408451.1); and 40 more; short protein forms L345fs, L392fs, L265fs, L281fs, L350fs, L389fs, L391fs, L96fs.
Identifiers: ClinVar variation 54156 (VCV000054156.3), dbSNP rs397508844, ClinGen allele CA000775.